The following is an entry in ClinVar:

ClinVar aggregate classification (germline): Pathogenic/Likely pathogenic. Review status: criteria provided, multiple submitters, no conflicts (2 of 4 stars). 2 submissions from 2 submitters: Pathogenic (1); Likely pathogenic (1). Last evaluated 2022-07-28.

Conditions:
Hereditary cancer-predisposing syndrome. Also called: Neoplastic Syndromes, Hereditary; Tumor predisposition; Hereditary neoplastic syndrome; Hereditary Cancer Syndrome. Identifiers: Orphanet 140162, MedGen C0027672, MeSH D009386, MONDO:0015356.

Submissions (2):

Ambry Genetics
Classification: Pathogenic for Hereditary cancer-predisposing syndrome. Last evaluated: 2022-07-28. Review status: criteria provided, single submitter. Criteria: Ambry Variant Classification Scheme 2023. Collection method: clinical testing. Allele origin: germline.
Comment: The c.5013_5017delGAAAA pathogenic mutation, located in coding exon 22 of the DICER1 gene, results from a deletion of 5 nucleotides at nucleotide positions 5013 to 5017, causing a translational frameshift with a predicted alternate stop codon (p.K1671Nfs*8). This alteration is expected to result in loss of function by premature protein truncation or nonsense-mediated mRNA decay. As such, this alteration is interpreted as a disease-causing mutation.

PreventionGenetics, part of Exact Sciences
Classification: Likely pathogenic. Last evaluated: 2016-06-20. Review status: criteria provided, single submitter. Criteria: ACMG Guidelines, 2015. Collection method: clinical testing. Allele origin: germline.

NM_177438.3(DICER1):c.5013_5017del (p.Lys1671fs)

Gene: DICER1 (dicer 1, ribonuclease III; minus strand). Cytogenetic location: 14q32.13.
Variant type: Microsatellite.
Coding change: c.5013_5017del on transcript NM_177438.3 (MANE Select); coding-DNA positions 5013 to 5017, 5 bases deleted (GAAAA; older notation c.5013_5017delGAAAA).
Protein change: p.Lys1671fs; shifts the reading frame from lysine 1671.
Molecular consequence: frameshift variant.
Genome position (GRCh38, 1-based): chr14:95,095,903-95,095,907, TTTTC deleted on the plus strand (GAAAA on the coding strand, the reverse complement: DICER1 is on the minus strand); deleting any 5 consecutive bases within chr14:95,095,903-95,095,912 gives the same sequence; the c. name uses the placement nearest the transcript's 3' end. VCF-style (leftmost placement, unchanged base first): chr14-95095902-ATTTTC-A. GRCh37 (hg19) VCF-style: chr14-95562239-ATTTTC-A.
Other names: c.5013_5017del, p.Lys1671fs (NM_001195573.1, NM_001271282.3, NM_001291628.2 and 1 more transcripts); short protein forms K1671fs.
Identifiers: ClinVar variation 690452 (VCV000690452.4), dbSNP rs1595337717, ClinGen allele CA915946358.